The following is an entry in ClinVar:

NM_006361.6(HOXB13):c.634G>A (p.Ala212Thr)

Gene: HOXB13 (homeobox B13; minus strand). Cytogenetic location: 17q21.32.
Variant type: single nucleotide variant.
Coding change: c.634G>A on transcript NM_006361.6 (MANE Select); coding-DNA position 634, G replaced by A.
Protein change: p.Ala212Thr; replaces alanine 212 with threonine.
Molecular consequence: missense variant.
Genome position (GRCh38, 1-based): chr17:48,727,011, C>T on the plus strand (G>A on the coding strand, the complement: HOXB13 is on the minus strand). VCF-style: chr17-48727011-C-T. GRCh37 (hg19) VCF-style: chr17-46804373-C-T.
Other names: p.A212T:GCC>ACC; short protein forms A212T.
Identifiers: ClinVar variation 128036 (VCV000128036.19), dbSNP rs145059285, ClinGen allele CA288239.

ClinVar aggregate classification (germline): Conflicting classifications of pathogenicity. Review status: criteria provided, conflicting classifications (1 of 4 stars). 6 submissions from 6 submitters: Uncertain significance (4); Likely benign (2). Last evaluated 2026-09-12.

Conditions:
HOXB13-related disorder. Also called: HOXB13-related condition; HOXB13-related disorders.
Prostate cancer, hereditary, 9 (HPC9). Identifiers: Orphanet 1331, MedGen C1970250, MONDO:0012597, OMIM 610997.
Hereditary cancer-predisposing syndrome. Also called: Neoplastic Syndromes, Hereditary; Tumor predisposition; Hereditary Cancer Syndrome; Hereditary neoplastic syndrome. Identifiers: Orphanet 140162, MedGen C0027672, MeSH D009386, MONDO:0015356.

Allele frequency attached by ClinVar (database versions not stated): TOPMed 0.00012; gnomAD 0.00014 and 0.00015; ESP Exome Variant Server 0.00015; 1000 Genomes Project 30x 0.00016; 1000 Genomes Project 0.00020.

Submissions (6):

PreventionGenetics, part of Exact Sciences
Classification: Uncertain significance for HOXB13-related condition. Last evaluated: 2026-09-12. Review status: criteria provided, single submitter. Criteria: ACMG Guidelines, 2015. Collection method: clinical testing. Allele origin: germline.
Comment: The HOXB13 c.634G>A variant is predicted to result in the amino acid substitution p.Ala212Thr. This variant has been reported in individuals with prostate cancer; however, it was also identified in a control population and classified as benign (Supplementary Table 6, Momozawa et al. 2020. PubMed ID: 31214711). In another study this variant was identified in individuals with prostate cancer; however, the variant did not segregate with prostate cancer in at least two families and the frequency of the variant did not differ between patients and the general population (Kurihara et al. 2022. PubMed ID: 36060024). This variant has been reported with uncertain significance in an individual with no personal history of cancer, but family history of ‘other’ cancers (Table S3, de Oliveira et al. 2022. PubMed ID: 35534704). This variant is reported in 0.040% of alleles in individuals of East Asian descent in gnomAD and has conflicting interpretations in ClinVar, ranging from uncertain to likely benign (Variation ID: 128036). Although we suspect that this variant may be benign, at this time, the clinical significance of this variant is uncertain due to the absence of conclusive functional and genetic evidence.

Labcorp Genetics (formerly Invitae), Labcorp
Classification: Uncertain significance. Last evaluated: 2026-01-29. Review status: criteria provided, single submitter. Criteria: Invitae Variant Classification Sherloc (09022015). Collection method: clinical testing. Allele origin: germline.
Comment: This sequence change replaces alanine, which is neutral and non-polar, with threonine, which is neutral and polar, at codon 212 of the HOXB13 protein (p.Ala212Thr). This variant is present in population databases (rs145059285, gnomAD 0.04%), and has an allele count higher than expected for a pathogenic variant. This variant has not been reported in the literature in individuals affected with HOXB13-related conditions. ClinVar contains an entry for this variant (Variation ID: 128036). Invitae Evidence Modeling of protein sequence and biophysical properties (such as structural, functional, and spatial information, amino acid conservation, physicochemical variation, residue mobility, and thermodynamic stability) indicates that this missense variant is not expected to disrupt HOXB13 protein function with a negative predictive value of 80%. In summary, the available evidence is currently insufficient to determine the role of this variant in disease. Therefore, it has been classified as a Variant of Uncertain Significance.

Molecular Pathology, Peter Maccallum Cancer Centre
Classification: Uncertain significance for Prostate cancer, hereditary, 9. Last evaluated: 2024-06-20. Review status: criteria provided, single submitter. Criteria: ACMG Guidelines, 2015. Collection method: clinical testing. Allele origin: germline. Inheritance: Autosomal dominant inheritance.

GeneDx
Classification: Uncertain significance. Last evaluated: 2022-05-24. Review status: criteria provided, single submitter. Criteria: GeneDx Variant Classification Process June 2021. Collection method: clinical testing. Allele origin: germline. Affected: yes.
Comment: In silico analysis supports that this missense variant does not alter protein structure/function; Observed in prostate cancer cases, but also in healthy controls (Momozawa et al., 2019); This variant is associated with the following publications: (PMID: 19389631, 31214711)

Sema4
Classification: Likely benign for Hereditary cancer-predisposing syndrome. Last evaluated: 2021-03-02. Review status: criteria provided, single submitter. Criteria: Sema4 Curation Guidelines. Collection method: curation. Allele origin: germline.

Ambry Genetics
Classification: Likely benign for Hereditary cancer-predisposing syndrome. Last evaluated: 2020-06-29. Review status: criteria provided, single submitter. Criteria: Ambry Variant Classification Scheme 2023. Collection method: clinical testing. Allele origin: germline.

Literature cited by the submitters: PubMed 31214711 (cited by Ambry Genetics).